The following is an entry in ClinVar:

NM_014994.3(MAPKBP1):c.4226G>A (p.Ser1409Asn)

Gene: MAPKBP1 (mitogen-activated protein kinase binding protein 1; plus strand). Cytogenetic location: 15q15.1.
Variant type: single nucleotide variant.
Coding change: c.4226G>A on transcript NM_014994.3 (MANE Select); coding-DNA position 4226, G replaced by A.
Protein change: p.Ser1409Asn; replaces serine 1409 with asparagine.
Molecular consequence: missense variant. On other transcripts: non-coding transcript variant (2).
Genome position (GRCh38, 1-based): chr15:41,824,496, G>A. VCF-style: chr15-41824496-G-A. GRCh37 (hg19) VCF-style: chr15-42116694-G-A.
Other names: c.4244G>A, p.Ser1415Asn (NM_001128608.2); c.3395G>A, p.Ser1132Asn (NM_001265611.2); short protein forms S1409N, S1132N, S1415N.
Identifiers: ClinVar variation 1964872 (VCV001964872.5), dbSNP rs2065055794, ClinGen allele CA391878927.

ClinVar aggregate classification (germline): Uncertain significance (1 of 4 stars; one submission).

Allele frequency attached by ClinVar (database versions not stated): gnomAD exomes below 0.00001; gnomAD 0.00001.
gnomAD v4.1: 3 of 1,598,608 alleles (0.00019%); highest among the groups gnomAD compares: Non-Finnish European, 0.00017%; no homozygotes.

Submission:

Labcorp Genetics (formerly Invitae), Labcorp
Classification: Uncertain significance. Last evaluated: 2022-06-28. Review status: criteria provided, single submitter. Criteria: Invitae Variant Classification Sherloc (09022015). Collection method: clinical testing. Allele origin: germline.
Comment: This variant has not been reported in the literature in individuals affected with MAPKBP1-related conditions. This sequence change replaces serine, which is neutral and polar, with asparagine, which is neutral and polar, at codon 1415 of the MAPKBP1 protein (p.Ser1415Asn). This variant is not present in population databases (gnomAD no frequency). Algorithms developed to predict the effect of missense changes on protein structure and function output the following: SIFT: "Tolerated"; PolyPhen-2: "Benign"; Align-GVGD: "Class C0". The asparagine amino acid residue is found in multiple mammalian species, which suggests that this missense change does not adversely affect protein function. In summary, the available evidence is currently insufficient to determine the role of this variant in disease. Therefore, it has been classified as a Variant of Uncertain Significance.